The following is an entry in ClinVar:

NM_001814.6(CTSC):c.672dup (p.Gln225fs)

Gene: CTSC (cathepsin C; minus strand). Cytogenetic location: 11q14.2.
Variant type: Duplication.
Coding change: c.672dup on transcript NM_001814.6 (MANE Select); coding-DNA position 672, one base duplicated (A; older notation c.672dupA).
Protein change: p.Gln225fs; shifts the reading frame from glutamine 225.
Molecular consequence: frameshift variant.
Genome position (GRCh38, 1-based): chr11:88,300,615, T duplicated on the plus strand (A on the coding strand, the reverse complement: CTSC is on the minus strand). VCF-style (leftmost placement, unchanged base first): chr11-88300614-G-GT. GRCh37 (hg19) VCF-style: chr11-88033782-G-GT.
Other names: short protein forms Q225fs.
Identifiers: ClinVar variation 1932647 (VCV001932647.5), dbSNP rs2496540657, ClinGen allele CA2580085022.

ClinVar aggregate classification (germline): Pathogenic (1 of 4 stars; one submission).

Conditions:
Periodontitis, aggressive. Identifiers: MedGen C0031106, MONDO:0980757.
Haim-Munk syndrome (HMS). Also called: COCHIN JEWISH DISORDER; KERATOSIS PALMOPLANTARIS WITH PERIODONTOPATHIA AND ONYCHOGRYPOSIS. Identifiers: Orphanet 2342, MedGen C1855627, MONDO:0009491, OMIM 245010.
Papillon-Lefèvre syndrome (PALS). Also called: KERATOSIS PALMOPLANTARIS WITH PERIODONTOPATHIA; Papillon-Lefevre Disease. Identifiers: Orphanet 678, MedGen C0030360, MONDO:0009490, OMIM 245000.

Submission:

Labcorp Genetics (formerly Invitae), Labcorp
Classification: Pathogenic for Haim-Munk syndrome; Periodontitis, aggressive; Papillon-Lefèvre syndrome. Last evaluated: 2022-09-07. Review status: criteria provided, single submitter. Criteria: Invitae Variant Classification Sherloc (09022015). Collection method: clinical testing. Allele origin: germline.
Comment: This sequence change creates a premature translational stop signal (p.Gln225Thrfs*68) in the CTSC gene. While this is not anticipated to result in nonsense mediated decay, it is expected to disrupt the last 239 amino acid(s) of the CTSC protein. For these reasons, this variant has been classified as Pathogenic. This variant disrupts a region of the CTSC protein in which other variant(s) (p.Trp429*) have been determined to be pathogenic (PMID: 10593994, 28242153, 29410039). This suggests that this is a clinically significant region of the protein, and that variants that disrupt it are likely to be disease-causing. This variant has not been reported in the literature in individuals affected with CTSC-related conditions. This variant is not present in population databases (gnomAD no frequency).

Literature cited by the submitters: PubMed 10593994; PubMed 28242153; PubMed 29410039.